The following is an entry in ClinVar:

NM_021625.5(TRPV4):c.1153-10C>T

Gene: TRPV4 (transient receptor potential cation channel subfamily V member 4; minus strand). Cytogenetic location: 12q24.11.
Variant type: single nucleotide variant.
Coding change: c.1153-10C>T on transcript NM_021625.5 (MANE Select); 10 bases into the intron before coding-DNA position 1153, C replaced by T.
Molecular consequence: intron variant.
Genome position (GRCh38, 1-based): chr12:109,796,714, G>A on the plus strand (C>T on the coding strand, the complement: TRPV4 is on the minus strand). VCF-style: chr12-109796714-G-A. GRCh37 (hg19) VCF-style: chr12-110234519-G-A.
Other names: p.?; c.1011+1900C>T (NM_001177433.1); c.1012-10C>T (NM_001177428.1); c.1152+1900C>T (NM_147204.2); c.1051-10C>T (NM_001177431.1).
Identifiers: ClinVar variation 137724 (VCV000137724.37), dbSNP rs149541389, ClinGen allele CA291398.
Genomic context (GRCh38, chr12:109,796,714, plus strand): 5'-GTGCCGTGTGTCCTCATCCGTCACCTCCCGCCGGATGATGTGCTGAAAGATCTGCACAGG[G>A]GGCCAGGAGGGTCAGGGGGCTCACACTGGAAAGACCCCCAGGGCTGGGCCCAGCTCAGCA-3'

ClinVar aggregate classification (germline): Benign/Likely benign. Review status: criteria provided, multiple submitters, no conflicts (2 of 4 stars). 19 submissions from 14 submitters: Benign (14); Likely benign (2). 3 of the submissions do not count toward it. Last evaluated 2026-02-04.

Conditions:
Metatropic dysplasia (MTD). Also called: Metatropic dysplasia, nonlethal dominant; Metatropic Dysplasia, TRPV4-Related; METATROPIC DWARFISM. Identifiers: Orphanet 2635, MedGen C0265281, MONDO:0007986, OMIM 156530.
Spondylometaphyseal dysplasia, Kozlowski type (SMDK). Also called: Dysmorphism arthrogryposis skeletal maturation advanced; Jequier-Kozlowski syndrome; Skeletal dysplasia Jequier-Kozlowski type; SMD Kozlowski type; Spondylometaphyseal Dysplasia, TRPV4-Related (Kozlowski Type). Identifiers: Orphanet 93314, MedGen C0265280, MONDO:0008477, OMIM 184252.
Sodium serum level quantitative trait locus 1 (SSQTL1). Identifiers: MedGen C3150755, OMIM 613508.
Charcot-Marie-Tooth disease axonal type 2C (HMSN2C). Also called: CHARCOT-MARIE-TOOTH DISEASE, AXONAL, AUTOSOMAL DOMINANT, TYPE 2C; Charcot-Marie-Tooth Neuropathy Type 2C; Charcot-Marie-Tooth Disease Type 2, TRPV4-Related (CMT2C). Identifiers: Orphanet 99937, MedGen C1853710, MONDO:0011633, OMIM 606071.
Avascular necrosis of femoral head, primary, 2 (ANFH2). Identifiers: MedGen C4479260, MONDO:0054551, OMIM 617383.
Brachyrachia (short spine dysplasia) (BCYM3). Also called: Brachyolmia Type 3; BRACHYRACHIA; Autosomal dominant brachyolmia; Brachyolmia, TRPV4-Related. Identifiers: Orphanet 93304, MedGen C0432227, MONDO:0007232, OMIM 113500.
Spondyloepimetaphyseal dysplasia, Maroteaux type (SEDM). Also called: SED, MAROTEAUX TYPE; PSEUDO-MORQUIO SYNDROME, TYPE 2; Spondyloepimetaphyseal Dysplasia, TRPV4-Related (Maroteaux Type). Identifiers: Orphanet 263482, MedGen C3159322, MONDO:0008473, OMIM 184095.
Neuronopathy, distal hereditary motor, autosomal dominant 8. Also called: SPINAL MUSCULAR ATROPHY, CONGENITAL BENIGN, WITH CONTRACTURES; NEURONOPATHY, DISTAL HEREDITARY MOTOR, TYPE VIII; NEUROPATHY, DISTAL HEREDITARY MOTOR, TYPE VIII; Autosomal dominant congenital benign spinal muscular atrophy. Identifiers: Orphanet 1216, MedGen C1838492, MONDO:0010839, OMIM 600175.
Parastremmatic dwarfism. Identifiers: Orphanet 2646, MedGen C1868616, MONDO:0008196, OMIM 168400.
Familial digital arthropathy-brachydactyly. Identifiers: Orphanet 85169, MedGen C1847406, MONDO:0011732, OMIM 606835.
Scapuloperoneal spinal muscular atrophy (SPSMA). Also called: Scapuloperoneal spinal muscular atrophy, autosomal dominant; AMYOTROPHY, NEUROGENIC SCAPULOPERONEAL, NEW ENGLAND TYPE; Scapuloperoneal Form of Spinal Muscular Atrophy; Scapuloperoneal Spinal Muscular Atrophy, TRPV4-Related. Identifiers: Orphanet 431255, MedGen C0751335, MONDO:0008408, OMIM 181405.
Charcot-Marie-Tooth disease. Also called: Charcot-Marie-Tooth Neuropathy; Charcot-Marie-Tooth Hereditary Neuropathy. Identifiers: Orphanet 166, MedGen C0007959, MONDO:0015626.

Allele frequency attached by ClinVar (database versions not stated): gnomAD 0.00558 and 0.00547; ExAC 0.00564; TOPMed 0.00592; 1000 Genomes Project 0.00240; gnomAD exomes 0.00562 and 0.00764; ESP Exome Variant Server 0.00646; 1000 Genomes Project 30x 0.00234.
gnomAD v4.1: 11,860 of 1,605,754 alleles (0.74%); highest among the groups gnomAD compares: Non-Finnish European, 0.88%; 53 homozygotes.

Submissions (19):

Labcorp Genetics (formerly Invitae), Labcorp
Classification: Benign for Charcot-Marie-Tooth disease axonal type 2C. Last evaluated: 2026-02-04. Review status: criteria provided, single submitter. Criteria: Invitae Variant Classification Sherloc (09022015). Collection method: clinical testing. Allele origin: germline.

ARUP Laboratories, Molecular Genetics and Genomics, ARUP Laboratories
Classification: Benign. Last evaluated: 2025-03-06. Review status: criteria provided, single submitter. Criteria: ARUP Molecular Germline Variant Investigation Process 2024. Collection method: clinical testing. Allele origin: germline.

Blueprint Genetics
Classification: Likely benign. Last evaluated: 2024-11-27. Review status: criteria provided, single submitter. Criteria: ACMG Guidelines, 2015. Collection method: clinical testing. Allele origin: germline.

Mayo Clinic Laboratories, Mayo Clinic
Classification: Benign. Last evaluated: 2022-06-17. Review status: criteria provided, single submitter. Criteria: ACMG Guidelines, 2015. Collection method: clinical testing. Allele origin: germline. Observed: 31 variant alleles.

Fulgent Genetics
Classification: Likely benign for Brachyrachia (short spine dysplasia); Metatropic dysplasia; Parastremmatic dwarfism; Scapuloperoneal spinal muscular atrophy; Spondyloepimetaphyseal dysplasia, Maroteaux type; Spondylometaphyseal dysplasia, Kozlowski type; Neuronopathy, distal hereditary motor, autosomal dominant 8; Charcot-Marie-Tooth disease axonal type 2C; Familial digital arthropathy-brachydactyly; Sodium serum level quantitative trait locus 1; Avascular necrosis of femoral head, primary, 2. Last evaluated: 2021-10-05. Review status: criteria provided, single submitter. Criteria: ACMG Guidelines, 2015. Collection method: clinical testing. Allele origin: unknown.

Athena Diagnostics
Classification: Benign. Last evaluated: 2018-08-08. Review status: criteria provided, single submitter. Criteria: Athena Diagnostics Criteria. Collection method: clinical testing. Allele origin: germline.

Illumina Laboratory Services, Illumina
Classification: Benign for Scapuloperoneal spinal muscular atrophy. Last evaluated: 2018-01-12. Review status: criteria provided, single submitter. Criteria: ICSL Variant Classification Criteria 13 December 2019. Collection method: clinical testing. Allele origin: germline.
Comment: This variant was observed in the ICSL laboratory as part of a predisposition screen in an ostensibly healthy population. It had not been previously curated by ICSL or reported in the Human Gene Mutation Database (HGMD: prior to June 1st, 2018), and was therefore a candidate for classification through an automated scoring system. Utilizing variant allele frequency, disease prevalence and penetrance estimates, and inheritance mode, an automated score was calculated to assess if this variant is too frequent to cause the disease. Based on the score and internal cut-off values, a variant classified as benign is not then subjected to further curation. The score for this variant resulted in a classification of benign for this disease.

Illumina Laboratory Services, Illumina
Classification: Benign for Brachyrachia (short spine dysplasia). Last evaluated: 2018-01-12. Review status: criteria provided, single submitter. Criteria: ICSL Variant Classification Criteria 13 December 2019. Collection method: clinical testing. Allele origin: germline.
Comment: the same text as in the submission from Illumina Laboratory Services, Illumina above.

Illumina Laboratory Services, Illumina
Classification: Benign for Charcot-Marie-Tooth disease axonal type 2C. Last evaluated: 2018-01-12. Review status: criteria provided, single submitter. Criteria: ICSL Variant Classification Criteria 13 December 2019. Collection method: clinical testing. Allele origin: germline.
Comment: the same text as in the submission from Illumina Laboratory Services, Illumina above.

Illumina Laboratory Services, Illumina
Classification: Benign for Neuronopathy, distal hereditary motor, autosomal dominant 8. Last evaluated: 2018-01-12. Review status: criteria provided, single submitter. Criteria: ICSL Variant Classification Criteria 13 December 2019. Collection method: clinical testing. Allele origin: germline.
Comment: the same text as in the submission from Illumina Laboratory Services, Illumina above.

Illumina Laboratory Services, Illumina
Classification: Benign for Spondylometaphyseal dysplasia, Kozlowski type. Last evaluated: 2018-01-12. Review status: criteria provided, single submitter. Criteria: ICSL Variant Classification Criteria 13 December 2019. Collection method: clinical testing. Allele origin: germline.
Comment: the same text as in the submission from Illumina Laboratory Services, Illumina above.

Illumina Laboratory Services, Illumina
Classification: Benign for Metatropic dysplasia. Last evaluated: 2018-01-12. Review status: criteria provided, single submitter. Criteria: ICSL Variant Classification Criteria 13 December 2019. Collection method: clinical testing. Allele origin: germline.
Comment: the same text as in the submission from Illumina Laboratory Services, Illumina above.

Eurofins Ntd Llc (ga)
Classification: Benign. Last evaluated: 2015-09-25. Review status: criteria provided, single submitter. Criteria: EGL Classification Definitions 2015. Collection method: clinical testing. Allele origin: germline. Observed: 1 variant allele, 1 heterozygote.

GeneDx
Classification: Benign. Last evaluated: 2014-06-06. Review status: criteria provided, single submitter. Criteria: GeneDx Variant Classification (06012015). Collection method: clinical testing. Allele origin: germline. Affected: yes.
Comment: This variant is considered likely benign or benign based on one or more of the following criteria: it is a conservative change, it occurs at a poorly conserved position in the protein, it is predicted to be benign by multiple in silico algorithms, and/or has population frequency not consistent with disease.

Molecular Genetics Laboratory, London Health Sciences Centre
Classification: Benign for Charcot-Marie-Tooth disease. Review status: criteria provided, single submitter. Criteria: ACMG Guidelines, 2015. Collection method: clinical testing. Allele origin: germline. Affected: yes.

PreventionGenetics, part of Exact Sciences
Classification: Benign. Review status: criteria provided, single submitter. Criteria: ACMG Guidelines, 2015. Collection method: clinical testing. Allele origin: germline.

Clinical Genetics, Academic Medical Center
Classification: Benign. Review status: no assertion criteria provided. Collection method: clinical testing. Allele origin: germline. Affected: yes. Study: VKGL Data-share Consensus. Not counted in ClinVar's aggregate classification.

Genome Diagnostics Laboratory, University Medical Center Utrecht
Classification: Benign. Review status: no assertion criteria provided. Collection method: clinical testing. Allele origin: germline. Affected: yes. Study: VKGL Data-share Consensus. Not counted in ClinVar's aggregate classification.

Joint Genome Diagnostic Labs from Nijmegen and Maastricht, Radboudumc and MUMC+
Classification: Benign. Review status: no assertion criteria provided. Collection method: clinical testing. Allele origin: germline. Affected: yes. Study: VKGL Data-share Consensus. Not counted in ClinVar's aggregate classification.